The following is an entry in ClinVar:

NM_001009944.3(PKD1):c.10260_10279delinsAGCAGGT (p.Trp3420_Pro3427delinsTer)

Gene: PKD1 (polycystin 1, transient receptor potential channel interacting; minus strand). Cytogenetic location: 16p13.3.
Variant type: Indel.
Coding change: c.10260_10279delinsAGCAGGT on transcript NM_001009944.3 (MANE Select); coding-DNA positions 10260 to 10279, GCCGGACCTGCTCAGTGACC replaced by AGCAGGT.
Protein change: p.Trp3420_Pro3427delinsTer.
Molecular consequence: nonsense.
Genome position (GRCh38, 1-based): chr16:2,097,445-2,097,464, GGTCACTGAGCAGGTCCGGC replaced by ACCTGCT on the plus strand (GCCGGACCTGCTCAGTGACC replaced by AGCAGGT on the coding strand, the reverse complement: PKD1 is on the minus strand). VCF-style: chr16-2097445-GGTCACTGAGCAGGTCCGGC-ACCTGCT. GRCh37 (hg19) VCF-style: chr16-2147446-GGTCACTGAGCAGGTCCGGC-ACCTGCT.
Other names: c.10257_10276delinsAGCAGGT, p.Trp3419_Pro3426delinsTer (NM_000296.4).
Identifiers: ClinVar variation 3335853 (VCV003335853.2).

ClinVar aggregate classification (germline): Pathogenic (1 of 4 stars; one submission).

Conditions:
Polycystic kidney disease, adult type (PKD1). Also called: Polycystic Kidney, Autosomal Dominant; POLYCYSTIC KIDNEY DISEASE 1 WITH OR WITHOUT POLYCYSTIC LIVER DISEASE; POLYCYSTIC KIDNEY DISEASE, ADULT, TYPE I; Polycystic Kidney Disease 1, Autosomal Dominant; Polycystic kidney disease 1; Polycystic kidney disease 1, severe. Identifiers: MedGen C3149841, MONDO:0008263, OMIM 173900.

Submission:

Juno Genomics, Hangzhou Juno Genomics, Inc
Classification: Pathogenic for Polycystic kidney disease, adult type. Review status: criteria provided, single submitter. Criteria: ACMG Guidelines, 2015. Collection method: clinical testing. Allele origin: germline. Affected: yes.
Comment: Null variant in a gene where loss of function (LOF) is a known mechanism of disease.;Absent from controls (or at extremely low frequency if recessive) in Genome Aggregation Database, Exome Sequencing Project, 1000 Genomes Project, or Exome Aggregation Consortium.;Patient's phenotype or family history is highly specific for a disease with a single genetic etiology.